The following is an entry in ClinVar:

NM_015466.4(PTPN23):c.1021C>A (p.Pro341Thr)

Gene: PTPN23 (protein tyrosine phosphatase non-receptor type 23; plus strand). Cytogenetic location: 3p21.31.
Variant type: single nucleotide variant.
Coding change: c.1021C>A on transcript NM_015466.4 (MANE Select); coding-DNA position 1021, C replaced by A.
Protein change: p.Pro341Thr; replaces proline 341 with threonine.
Molecular consequence: missense variant.
Genome position (GRCh38, 1-based): chr3:47,407,714, C>A. VCF-style: chr3-47407714-C-A. GRCh37 (hg19) VCF-style: chr3-47449204-C-A.
Other names: c.643C>A, p.Pro215Thr (NM_001304482.2); c.1021C>A (NM_015466.2); short protein forms P341T, P215T.
Identifiers: ClinVar variation 1413039 (VCV001413039.7), dbSNP rs370594347, ClinGen allele CA2365616.
Genomic context (GRCh38, chr3:47,407,714, plus strand): 5'-GGACTCTGCGTGGGCCTGATCTCCACAATTCCCACCCCCCCAGGAGCCCCCTTGGTGAAG[C>A]CCTTGCCAGTGAACCCCACAGACCCAGCTGTTACAGGCCCTGACATCTTTGCCAAACTGG-3'
Protein context (NP_056281.1, residues 331-351): QPVKGAPLVK[Pro341Thr]LPVNPTDPAV

ClinVar aggregate classification (germline): Uncertain significance. Review status: criteria provided, multiple submitters, no conflicts (2 of 4 stars). 2 submissions from 2 submitters: Uncertain significance (2). Last evaluated 2025-08-29.

Conditions:
Inborn genetic diseases. Identifiers: MedGen C0950123, MeSH D030342.

Allele frequency attached by ClinVar (database versions not stated): ExAC 0.00002; gnomAD 0.00004; gnomAD exomes 0.00005 and 0.00017; TOPMed 0.00005; ESP Exome Variant Server 0.00008.
gnomAD v4.1: 249 of 1,613,756 alleles (0.015%); highest among the groups gnomAD compares: Non-Finnish European, 0.02%; no homozygotes.

Submissions (2):

Ambry Genetics
Classification: Uncertain significance for Inborn genetic diseases. Last evaluated: 2025-08-29. Review status: criteria provided, single submitter. Criteria: Ambry Variant Classification Scheme 2023. Collection method: clinical testing. Allele origin: germline.

Labcorp Genetics (formerly Invitae), Labcorp
Classification: Uncertain significance. Last evaluated: 2022-11-01. Review status: criteria provided, single submitter. Criteria: Invitae Variant Classification Sherloc (09022015). Collection method: clinical testing. Allele origin: germline.
Comment: ClinVar contains an entry for this variant (Variation ID: 1413039). This variant has not been reported in the literature in individuals affected with PTPN23-related conditions. This variant is present in population databases (rs370594347, gnomAD 0.01%). This sequence change replaces proline, which is neutral and non-polar, with threonine, which is neutral and polar, at codon 341 of the PTPN23 protein (p.Pro341Thr). Algorithms developed to predict the effect of missense changes on protein structure and function are either unavailable or do not agree on the potential impact of this missense change (SIFT: "Tolerated"; PolyPhen-2: "Not Available"; Align-GVGD: "Class C0"). In summary, the available evidence is currently insufficient to determine the role of this variant in disease. Therefore, it has been classified as a Variant of Uncertain Significance.